The following is an entry in ClinVar:

ClinVar aggregate classification (germline): Uncertain significance (1 of 4 stars; one submission).

gnomAD v4.1: 1 of 1,611,754 alleles (0.000062%); highest among the groups gnomAD compares: Admixed American, 0.0017%; no homozygotes.

Submission:

Labcorp Genetics (formerly Invitae), Labcorp
Classification: Uncertain significance. Last evaluated: 2024-09-29. Review status: criteria provided, single submitter. Criteria: Invitae Variant Classification Sherloc (09022015). Collection method: clinical testing. Allele origin: germline.
Comment: This sequence change replaces arginine, which is basic and polar, with threonine, which is neutral and polar, at codon 515 of the PDE8B protein (p.Arg515Thr). This variant is not present in population databases (gnomAD no frequency). This variant has not been reported in the literature in individuals affected with PDE8B-related conditions. An algorithm developed to predict the effect of missense changes on protein structure and function (PolyPhen-2) suggests that this variant is likely to be disruptive. In summary, the available evidence is currently insufficient to determine the role of this variant in disease. Therefore, it has been classified as a Variant of Uncertain Significance.

NM_003719.5(PDE8B):c.1544G>C (p.Arg515Thr)

Gene: PDE8B (phosphodiesterase 8B; plus strand). Cytogenetic location: 5q13.3.
Variant type: single nucleotide variant.
Coding change: c.1544G>C on transcript NM_003719.5 (MANE Select); coding-DNA position 1544, G replaced by C.
Protein change: p.Arg515Thr; replaces arginine 515 with threonine.
Molecular consequence: missense variant.
Genome position (GRCh38, 1-based): chr5:77,411,689, G>C. VCF-style: chr5-77411689-G-C. GRCh37 (hg19) VCF-style: chr5-76707514-G-C.
Other names: c.1241G>C, p.Arg414Thr (NM_001376072.1, NM_001376062.1); c.950G>C, p.Arg317Thr (NM_001376073.1); c.890G>C, p.Arg297Thr (NM_001376074.1); c.881G>C, p.Arg294Thr (NM_001376075.1); c.1172G>C, p.Arg391Thr (NM_001414622.1, NM_001414623.1, NM_001349753.2 and 2 more transcripts); c.1160G>C, p.Arg387Thr (NM_001376069.1); c.1100G>C, p.Arg367Thr (NM_001376070.1); c.1097G>C, p.Arg366Thr (NM_001376071.1); and 12 more; short protein forms R294T, R297T, R417T, R418T, R435T, R515T, R387T, R394T.
Identifiers: ClinVar variation 3710288 (VCV003710288.2).